The following is an entry in ClinVar:

NM_001572.5(IRF7):c.1376G>A (p.Arg459Gln)

Gene: IRF7 (interferon regulatory factor 7; minus strand). Cytogenetic location: 11p15.5.
Variant type: single nucleotide variant.
Coding change: c.1376G>A on transcript NM_001572.5 (MANE Select); coding-DNA position 1376, G replaced by A.
Protein change: p.Arg459Gln; replaces arginine 459 with glutamine.
Molecular consequence: missense variant.
Genome position (GRCh38, 1-based): chr11:612,781, C>T on the plus strand (G>A on the coding strand, the complement: IRF7 is on the minus strand). VCF-style: chr11-612781-C-T. GRCh37 (hg19) VCF-style: chr11-612781-C-T.
Other names: c.1289G>A, p.Arg430Gln (NM_004029.4); c.1415G>A, p.Arg472Gln (NM_004031.4); short protein forms R472Q, R430Q, R459Q.
Identifiers: ClinVar variation 2741939 (VCV002741939.3), dbSNP rs758231153, ClinGen allele CA5783457.

ClinVar aggregate classification (germline): Uncertain significance (1 of 4 stars; one submission).

Conditions:
Immunodeficiency 39 (IMD39). Identifiers: Orphanet 574918, MedGen C4225358, MONDO:0014597, OMIM 616345.

Allele frequency attached by ClinVar (database versions not stated): gnomAD 0.00001; ExAC 0.00001; TOPMed 0.00002.
gnomAD v4.1: 26 of 1,610,822 alleles (0.0016%); highest among the groups gnomAD compares: South Asian, 0.0055%; no homozygotes.

Submission:

Labcorp Genetics (formerly Invitae), Labcorp
Classification: Uncertain significance for Immunodeficiency 39. Last evaluated: 2025-12-27. Review status: criteria provided, single submitter. Criteria: Invitae Variant Classification Sherloc (09022015). Collection method: clinical testing. Allele origin: germline.
Comment: This sequence change replaces arginine, which is basic and polar, with glutamine, which is neutral and polar, at codon 472 of the IRF7 protein (p.Arg472Gln). This variant is present in population databases (rs758231153, gnomAD 0.006%). This variant has not been reported in the literature in individuals affected with IRF7-related conditions. ClinVar contains an entry for this variant (Variation ID: 2741939). Invitae Evidence Modeling of protein sequence and biophysical properties (such as structural, functional, and spatial information, amino acid conservation, physicochemical variation, residue mobility, and thermodynamic stability) indicates that this missense variant is not expected to disrupt IRF7 protein function with a negative predictive value of 80%. In summary, the available evidence is currently insufficient to determine the role of this variant in disease. Therefore, it has been classified as a Variant of Uncertain Significance.